The following is an entry in ClinVar:

ClinVar aggregate classification (germline): Uncertain significance. Review status: criteria provided, multiple submitters, no conflicts (2 of 4 stars). 2 submissions from 2 submitters: Uncertain significance (2). Last evaluated 2026-01-27.

Conditions:
Hereditary cancer-predisposing syndrome. Also called: Hereditary Cancer Syndrome; Hereditary neoplastic syndrome; Tumor predisposition; Neoplastic Syndromes, Hereditary. Identifiers: Orphanet 140162, MedGen C0027672, MeSH D009386, MONDO:0015356.
Cardiovascular phenotype. Identifiers: MedGen CN230736.

Allele frequency attached by ClinVar (database versions not stated): gnomAD exomes below 0.00001.
gnomAD v4.1: 2 of 1,613,710 alleles (0.00012%); highest among the groups gnomAD compares: Admixed American, 0.0017%; no homozygotes.

Submissions (2):

Labcorp Genetics (formerly Invitae), Labcorp
Classification: Uncertain significance. Last evaluated: 2026-01-27. Review status: criteria provided, single submitter. Criteria: Invitae Variant Classification Sherloc (09022015). Collection method: clinical testing. Allele origin: germline.
Comment: This sequence change replaces histidine, which is basic and polar, with proline, which is neutral and non-polar, at codon 827 of the LZTR1 protein (p.His827Pro). This variant is present in population databases (no rsID available, gnomAD 0.003%). This variant has not been reported in the literature in individuals affected with LZTR1-related conditions. ClinVar contains an entry for this variant (Variation ID: 1791906). Invitae Evidence Modeling of protein sequence and biophysical properties (such as structural, functional, and spatial information, amino acid conservation, physicochemical variation, residue mobility, and thermodynamic stability) indicates that this missense variant is not expected to disrupt LZTR1 protein function with a negative predictive value of 80%. In summary, the available evidence is currently insufficient to determine the role of this variant in disease. Therefore, it has been classified as a Variant of Uncertain Significance.

Ambry Genetics
Classification: Uncertain significance for Cardiovascular phenotype; Hereditary cancer-predisposing syndrome. Last evaluated: 2022-04-27. Review status: criteria provided, single submitter. Criteria: Ambry Variant Classification Scheme 2023. Collection method: clinical testing. Allele origin: germline.
Comment: The p.H827P variant (also known as c.2480A>C), located in coding exon 21 of the LZTR1 gene, results from an A to C substitution at nucleotide position 2480. The histidine at codon 827 is replaced by proline, an amino acid with similar properties. This amino acid position is conserved. In addition, the in silico prediction for this alteration is inconclusive. Since supporting evidence is limited at this time, the clinical significance of this alteration remains unclear.

NM_006767.4(LZTR1):c.2480A>C (p.His827Pro)

Gene: LZTR1 (leucine zipper like post translational regulator 1; plus strand). Cytogenetic location: 22q11.21.
Variant type: single nucleotide variant.
Coding change: c.2480A>C on transcript NM_006767.4 (MANE Select); coding-DNA position 2480, A replaced by C.
Protein change: p.His827Pro; replaces histidine 827 with proline.
Molecular consequence: missense variant.
Genome position (GRCh38, 1-based): chr22:20,997,305, A>C. VCF-style: chr22-20997305-A-C. GRCh37 (hg19) VCF-style: chr22-21351594-A-C.
Other names: short protein forms H827P.
Identifiers: ClinVar variation 1791906 (VCV001791906.7), dbSNP rs1301431226, ClinGen allele CA410781802.